The following is an entry in ClinVar:

NM_001195263.2(PDZD7):c.1522+395A>G

Gene: PDZD7 (PDZ domain containing 7; minus strand). Cytogenetic location: 10q24.31.
Variant type: single nucleotide variant.
Coding change: c.1522+395A>G on transcript NM_001195263.2 (MANE Select); 395 bases into the intron after coding-DNA position 1522, A replaced by G.
Molecular consequence: intron variant.
Genome position (GRCh38, 1-based): chr10:101,017,704, T>C on the plus strand (A>G on the coding strand, the complement: PDZD7 is on the minus strand). VCF-style: chr10-101017704-T-C. GRCh37 (hg19) VCF-style: chr10-102777461-T-C.
Other names: c.1523-89A>G (NM_024895.5); c.1551-89A>G (NM_001351044.2).
Identifiers: ClinVar variation 682679 (VCV000682679.2), dbSNP rs10786615, ClinGen allele CA13250394.

ClinVar aggregate classification (germline): Benign. Review status: criteria provided, multiple submitters, no conflicts (2 of 4 stars). 2 submissions from 2 submitters: Benign (2). Last evaluated 2018-06-14.

Allele frequency attached by ClinVar (database versions not stated): 1000 Genomes Project 0.54553; gnomAD exomes 0.55226; 1000 Genomes Project 30x 0.55621; gnomAD 0.61434 and 0.62464; TOPMed 0.62786.
gnomAD v4.1: 378,989 of 668,182 alleles (57%); highest among the groups gnomAD compares: African/African-American, 77%; 111,782 homozygotes.

Submissions (2):

GeneDx
Classification: Benign. Last evaluated: 2018-06-14. Review status: criteria provided, single submitter. Criteria: GeneDx Variant Classification (06012015). Collection method: clinical testing. Allele origin: germline. Affected: yes.
Comment: This variant is considered likely benign or benign based on one or more of the following criteria: it is a conservative change, it occurs at a poorly conserved position in the protein, it is predicted to be benign by multiple in silico algorithms, and/or has population frequency not consistent with disease.

Breakthrough Genomics
Classification: Benign. Review status: criteria provided, single submitter. Criteria: ACMG Guidelines, 2015. Collection method: not provided. Allele origin: germline. Inheritance: Autosomal recessive inheritance. Affected: yes.